The following is an entry in ClinVar:

ClinVar aggregate classification (germline): Uncertain significance (1 of 4 stars; one submission).

Conditions:
MKS1-related disorder. Also called: MKS1-related disorders; MKS1-related condition. Identifiers: MedGen CN239382.

gnomAD v4.1: 1 of 1,613,894 alleles (0.000062%); highest among the groups gnomAD compares: Non-Finnish European, 0.000085%; no homozygotes.

Submission:

PreventionGenetics, part of Exact Sciences
Classification: Uncertain significance for MKS1-related condition. Last evaluated: 2025-03-05. Review status: criteria provided, single submitter. Criteria: ACMG Guidelines, 2015. Collection method: clinical testing. Allele origin: germline.
Comment: The MKS1 c.142G>A variant is predicted to result in the amino acid substitution p.Gly48Arg. To our knowledge, this variant has not been reported in the literature or in a large population database (gnomAD), indicating this variant is rare. At this time, the clinical significance of this variant is uncertain due to the absence of conclusive functional and genetic evidence.

NM_017777.4(MKS1):c.142G>A (p.Gly48Arg)

Gene: MKS1 (MKS transition zone complex subunit 1; minus strand). Cytogenetic location: 17q22.
Variant type: single nucleotide variant.
Coding change: c.142G>A on transcript NM_017777.4 (MANE Select); coding-DNA position 142, G replaced by A.
Protein change: p.Gly48Arg; replaces glycine 48 with arginine.
Molecular consequence: missense variant. On other transcripts: 5 prime UTR variant (1).
Genome position (GRCh38, 1-based): chr17:58,218,668, C>T on the plus strand (G>A on the coding strand, the complement: MKS1 is on the minus strand). VCF-style: chr17-58218668-C-T. GRCh37 (hg19) VCF-style: chr17-56296029-C-T.
Other names: c.-370G>A (NM_001321268.2); c.142G>A, p.Gly48Arg (NM_001321269.2, NM_001330397.2, NM_001411113.1); short protein forms G48R.
Identifiers: ClinVar variation 5001090 (VCV005001090.1).
Genomic context (GRCh38, chr17:58,218,668, plus strand): 5'-CGTAACACCCACTGGCAGTTGGCTGAGGCCTAAAAGTGGCCAAGTCTATGAGGTCCTTCC[C>T]GAGCTCGGCAGCAGGCTGATAATGAAGAAAGTTGCTTGATGTGATTCTTTGCAGGTGGAC-3'
Protein context (NP_060247.2, residues 38-58): FLHYQPAAEL[Gly48Arg]KDLIDLATFR